The following is an entry in ClinVar:

NM_032444.4(SLX4):c.5097_5098del (p.Gln1700fs)

Gene: SLX4 (SLX4 structure-specific endonuclease subunit; minus strand). Cytogenetic location: 16p13.3.
Variant type: Microsatellite.
Coding change: c.5097_5098del on transcript NM_032444.4 (MANE Select); coding-DNA positions 5097 to 5098, 2 bases deleted (TC; older notation c.5097_5098delTC).
Protein change: p.Gln1700fs; shifts the reading frame from glutamine 1700.
Molecular consequence: frameshift variant.
Genome position (GRCh38, 1-based): chr16:3,583,152-3,583,153, GA deleted on the plus strand (TC on the coding strand, the reverse complement: SLX4 is on the minus strand); deleting any 2 consecutive bases within chr16:3,583,152-3,583,156 gives the same sequence; the c. name uses the placement nearest the transcript's 3' end. VCF-style (leftmost placement, unchanged base first): chr16-3583151-TGA-T. GRCh37 (hg19) VCF-style: chr16-3633152-TGA-T.
Other names: short protein forms Q1700fs.
Identifiers: ClinVar variation 1489801 (VCV001489801.6), dbSNP rs1022072026, ClinGen allele CA276952569.

ClinVar aggregate classification (germline): Likely pathogenic (1 of 4 stars; one submission).

Conditions:
Fanconi anemia (FA). Also called: Fanconi's anemia. Identifiers: Orphanet 84, MedGen C0015625, MeSH D005199, MONDO:0019391.

Submission:

Labcorp Genetics (formerly Invitae), Labcorp
Classification: Likely pathogenic for Fanconi anemia. Last evaluated: 2022-10-13. Review status: criteria provided, single submitter. Criteria: Invitae Variant Classification Sherloc (09022015). Collection method: clinical testing. Allele origin: germline.
Comment: This variant disrupts the SLX1 interaction domain, which has been shown to be critical for SLX1-SLX4 complexing, and therefore will affect their Holliday junction resolvase and 5'-flap endonuclease activities (PMID: 19596235, 19596236). While functional studies have not been performed to directly test the effect of this variant on SLX4 protein function, this suggests that disruption of this region of the protein is causative of disease. This sequence change creates a premature translational stop signal (p.Gln1700Argfs*11) in the SLX4 gene. While this is not anticipated to result in nonsense mediated decay, it is expected to disrupt the last 135 amino acid(s) of the SLX4 protein. This variant is present in population databases (no rsID available, gnomAD 0.007%). This variant has not been reported in the literature in individuals affected with SLX4-related conditions. Algorithms developed to predict the effect of sequence changes on RNA splicing suggest that this variant may disrupt the consensus splice site. In summary, the currently available evidence indicates that the variant is pathogenic, but additional data are needed to prove that conclusively. Therefore, this variant has been classified as Likely Pathogenic.

Literature cited by the submitters: PubMed 19596235; PubMed 19596236.